The following is an entry in ClinVar:

NM_000138.5(FBN1):c.3712G>A (p.Asp1238Asn)

Gene: FBN1 (fibrillin 1; minus strand). Cytogenetic location: 15q21.1.
Variant type: single nucleotide variant.
Coding change: c.3712G>A on transcript NM_000138.5 (MANE Select); coding-DNA position 3712, G replaced by A.
Protein change: p.Asp1238Asn; replaces aspartic acid 1238 with asparagine.
Molecular consequence: missense variant.
Genome position (GRCh38, 1-based): chr15:48,485,374, C>T on the plus strand (G>A on the coding strand, the complement: FBN1 is on the minus strand). VCF-style: chr15-48485374-C-T. GRCh37 (hg19) VCF-style: chr15-48777571-C-T.
Other names: p.D1238N:GAC>AAC; NM_000138.5(FBN1):c.3712G>A; p.Asp1238Asn; short protein forms D1238N.
Identifiers: ClinVar variation 200022 (VCV000200022.43), dbSNP rs794728208, ClinGen allele CA014476.

ClinVar aggregate classification (germline): Pathogenic. Review status: reviewed by expert panel (3 of 4 stars). 17 submissions from 17 submitters: Pathogenic (1). 16 of the submissions do not count toward it. Last evaluated 2024-05-23.

Conditions:
Structural eye disease.
Cardiovascular phenotype. Identifiers: MedGen CN230736.
Marfan Syndrome/Loeys-Dietz Syndrome/Familial Thoracic Aortic Aneurysms and Dissections. Identifiers: MedGen CN229799.
Marfan syndrome (MFS). Also called: Marfan syndrome, classic; FBN1-Related Marfan Syndrome; Marfan syndrome type 1; Marfan's syndrome; MARFAN SYNDROME, TYPE I. Identifiers: Orphanet 284963, Orphanet 558, MedGen C0024796, MONDO:0007947, OMIM 154700.
MASS syndrome (OCTD). Also called: OVERLAP CONNECTIVE TISSUE DISEASE; MASS PHENOTYPE. Identifiers: MedGen C1858556, MONDO:0011431, OMIM 604308.
Weill-Marchesani syndrome 2, dominant. Also called: Weill-Marchesani Syndrome, Autosomal Dominant; FBN1-Related Weill-Marchesani Syndrome. Identifiers: Orphanet 2084, MedGen C1869115, MONDO:0012013, OMIM 608328.
Acromicric dysplasia (ACMICD). Also called: Acromicric skeletal dysplasia. Identifiers: Orphanet 969, MedGen C0265287, MONDO:0007055, OMIM 102370.
Ectopia lentis 1, isolated, autosomal dominant (ECTOL1). Identifiers: Orphanet 1885, MedGen C3541518, MONDO:0007514, OMIM 129600.
Stiff skin syndrome (SSKS). Identifiers: Orphanet 2833, MedGen C1861456, MONDO:0008492, OMIM 184900.
Geleophysic dysplasia 2 (GPHYSD2). Identifiers: Orphanet 2623, MedGen C3280054, MONDO:0013612, OMIM 614185.
Progeroid and marfanoid aspect-lipodystrophy syndrome. Also called: MARFANOID-PROGEROID SYNDROME; MARFAN-PROGEROID-LIPODYSTROPHY SYNDROME; Marfan lipodystrophy syndrome; MARFANOID-PROGEROID-LIPODYSTROPHY SYNDROME. Identifiers: Orphanet 300382, MedGen C4310796, MONDO:0014831, OMIM 616914.
Familial thoracic aortic aneurysm and aortic dissection (TAAD). Also called: Thoracic aortic aneurysms and dissections. Identifiers: Orphanet 91387, MedGen C4707243, MONDO:0019625.
FBN1-related disorder. Also called: FBN1-related disorders.

Allele frequency attached by ClinVar (database versions not stated): gnomAD exomes below 0.00001.
gnomAD v4.1: 2 of 1,614,128 alleles (0.00012%); highest among the groups gnomAD compares: Non-Finnish European, 0.00017%; no homozygotes.

Submissions 1 to 7 of 17:

ClinGen FBN1 Variant Curation Expert Panel, ClinGen
Classification: Pathogenic for Marfan syndrome. Last evaluated: 2024-05-23. Review status: reviewed by expert panel. Criteria: Assertion Criteria VCEP FBN1 Version 1. Collection method: curation. Allele origin: germline. Inheritance: Autosomal dominant inheritance.
Comment: The NM_00138 c.3712G>A is a missense variant in FBN1 predicted to cause a substitution of an aspartic acid by asparagine at amino acid 1238 (p.Asp1238Asn). This variant impacts the first aspartic acid within a calcium-binding (cb) (D/N)-X-(D/N)-(E/Q)-Xm-(D/N)-Xn-(Y/F) consensus sequence of a cbEGF-like domain (PM1). This variant has been reported 12 times in ClinVar: three times as pathogenic, eight times as likely pathogenic, and once as uncertain significance (Variation ID: 200022). This variant has also been reported in multiple individuals with a clinical diagnosis of MFS, ectopia lentis and/or clinical features of MFS (PS4_Strong; PMID 32730690, 10533071, 30675029, internal lab data). This variant was found to segregate with disease in at least four affected relatives with MFS from four families (PMID 32730690, internal lab data; PP1_Mod). This variant is not present in gnomAD (PM2_sup; v2.1.1). A different missense variant at this position, c.3713A>G (p.Asp1238Gly), has previously been previously established as (likely) pathogenic and was reported an individual with a clinical diagnosis of MFS (PM5; PMID 11175294). Computational prediction tools and conservation analysis suggest that this variant may impact the protein (REVEL: 0.895). This variant is located in the last nucleotide of the exon. In silico prediction programs suggest a possibly impact on splicing, however RNA analysis using patient blood showed no impact for this variant on RNA splicing (PMID 32123317). The constraint z-score for missense variants affecting FBN1 is 5.06 (PP2). In summary, this variant meets criteria to be classified as pathogenic for Marfan syndrome based on the ACMG/AMP criteria applied, as specified by the ClinGen FBN1 VCEP: PS4_Strong, PM1, PM5, PP1_Mod, PM2_Sup, PP2, PP3, PP4.

GeneDx
Classification: Likely pathogenic. Last evaluated: 2026-06-11. Review status: criteria provided, single submitter. Criteria: GeneDx Variant Classification Process June 2021. Collection method: clinical testing. Allele origin: germline. Not counted in ClinVar's aggregate classification.
Comment: Reported in association with Marfan syndrome and/or TAAD (PMID: 10533071, 30675029, 32730690); Not observed at significant frequency in large population cohorts (gnomAD); In vitro RT-PCR and transcriptome-wide blood RNA sequencing demonstrated that p.(D1238N) results in normal splicing (PMID: 32123317); In silico analysis supports a deleterious effect on splicing; In silico analysis supports that this missense variant has a deleterious effect on protein structure/function; This variant is associated with the following publications: (PMID: 20886638, 29510914, 30675029, 32730690, 34135346, 10533071, 32123317, 38190127, 34663891, 36945115, 20591885, 39843441, 34916231)

Women's Health and Genetics/Laboratory Corporation of America, LabCorp
Classification: Likely pathogenic for Marfan Syndrome/Loeys-Dietz Syndrome/Familial Thoracic Aortic Aneurysms and Dissections. Last evaluated: 2026-01-08. Review status: criteria provided, single submitter. Criteria: LabCorp Variant Classification Summary - May 2015. Collection method: clinical testing. Allele origin: germline. Not counted in ClinVar's aggregate classification.
Comment: Variant summary: FBN1 c.3712G>A (p.Asp1238Asn) results in a conservative amino acid change located in the EGF-like domain of the encoded protein sequence. Algorithms developed to predict the effect of missense changes on protein structure and function are either unavailable or do not agree on the potential impact of this missense change. Several computational tools predict a significant impact on normal splicing: Four predict the variant weakens a 5' donor site. However, these predictions have yet to be confirmed by functional studies. The variant was absent in 251466 control chromosomes. c.3712G>A has been observed in individuals affected with personal and/or family history Marfan Syndrome, aortopathies, ectopia lentis, and/or related disorders of connective tissue (e.g. De Cario_2018, Hicks_2018, Yuan_1999, Renner_2019, Cope_2020, Taniguchi_2023, Yagyu_2023, Guo_2024, Internal data). These data indicate that the variant is likely to be associated with disease. To our knowledge, no experimental evidence demonstrating an impact on protein function has been reported. The following publications have been ascertained in the context of this evaluation (PMID: 32730690, 28847661, 38190127, 29510914, 30675029, 34916231, 37042257, 10533071). ClinVar contains an entry for this variant (Variation ID: 200022). Based on the evidence outlined above, the variant was classified as likely pathogenic.

Genetics Laboratory, Great Ormond Street Hospital NHS Foundation Trust, North Thames Genomic Laboratory Hub
Classification: Likely pathogenic for Structural eye disease. Last evaluated: 2025-11-12. Review status: criteria provided, single submitter. Criteria: ACGS Best Practice Guidelines for Variant Classification in Rare Disease 2024 v1.2. Collection method: clinical testing. Allele origin: germline. Affected: yes. Not counted in ClinVar's aggregate classification.
Comment: PS4_moderate, PM2_moderate, PP3_supporting, PM1_moderate

Mayo Clinic Laboratories, Mayo Clinic
Classification: Pathogenic. Last evaluated: 2025-09-12. Review status: criteria provided, single submitter. Criteria: ACMG Guidelines, 2015. Collection method: clinical testing. Allele origin: germline. Observed: 1 variant allele. Not counted in ClinVar's aggregate classification.
Comment: PP1, PP2, PM1, PM2_supporting, PM5, PS4

Labcorp Genetics (formerly Invitae), Labcorp
Classification: Pathogenic for Marfan syndrome; Familial thoracic aortic aneurysm and aortic dissection. Last evaluated: 2025-08-25. Review status: criteria provided, single submitter. Criteria: Invitae Variant Classification Sherloc (09022015). Collection method: clinical testing. Allele origin: germline. Not counted in ClinVar's aggregate classification.
Comment: This sequence change replaces aspartic acid, which is acidic and polar, with asparagine, which is neutral and polar, at codon 1238 of the FBN1 protein (p.Asp1238Asn). This variant also falls at the last nucleotide of exon 30, which is part of the consensus splice site for this exon. This variant is not present in population databases (gnomAD no frequency). This missense change has been observed in individuals with clinical features of Marfan syndrome (PMID: 10533071; internal data). ClinVar contains an entry for this variant (Variation ID: 200022). An algorithm developed to predict the effect of missense changes on protein structure and function (PolyPhen-2) suggests that this variant is likely to be disruptive. Variants that disrupt the consensus splice site are a relatively common cause of aberrant splicing (PMID: 17576681, 9536098). For these reasons, this variant has been classified as Pathogenic.

Molecular Diagnostic Laboratory for Inherited Cardiovascular Disease, Montreal Heart Institute
Classification: Pathogenic for Cardiovascular phenotype. Last evaluated: 2025-05-12. Review status: criteria provided, single submitter. Criteria: ACMG Guidelines, 2015. Collection method: clinical testing. Allele origin: germline. Affected: yes. Not counted in ClinVar's aggregate classification.
Comment: PS4, PM1, PM2, PP2, PP3, PP4